The following is an entry in ClinVar:

NM_152296.5(ATP1A3):c.2419-14C>T

Gene: ATP1A3 (ATPase Na+/K+ transporting subunit alpha 3; minus strand). Cytogenetic location: 19q13.2.
Variant type: single nucleotide variant.
Coding change: c.2419-14C>T on transcript NM_152296.5 (MANE Select); 14 bases into the intron before coding-DNA position 2419, C replaced by T.
Molecular consequence: intron variant.
Genome position (GRCh38, 1-based): chr19:41,970,322, G>A on the plus strand (C>T on the coding strand, the complement: ATP1A3 is on the minus strand). VCF-style: chr19-41970322-G-A. GRCh37 (hg19) VCF-style: chr19-42474474-G-A.
Other names: c.2458-14C>T (NM_001256214.2); c.2452-14C>T (NM_001256213.2).
Identifiers: ClinVar variation 930325 (VCV000930325.4), dbSNP rs2075089174, ClinGen allele CA1139666465.

ClinVar aggregate classification (germline): Conflicting classifications of pathogenicity. Review status: criteria provided, conflicting classifications (1 of 4 stars). 2 submissions from 2 submitters: Uncertain significance (1); Likely benign (1). Last evaluated 2024-06-05.

Conditions:
Dystonia 12 (DYT12). Also called: Rapid-Onset Dystonia-Parkinsonism (RDP); DYT-ATP1A3. Identifiers: Orphanet 71517, MedGen C1868681, MONDO:0007496, OMIM 128235.

Submissions (2):

Blueprint Genetics
Classification: Likely benign. Last evaluated: 2024-06-05. Review status: criteria provided, single submitter. Criteria: ACMG Guidelines, 2015. Collection method: clinical testing. Allele origin: germline.

Centre for Mendelian Genomics, University Medical Centre Ljubljana
Classification: Uncertain significance for Dystonia 12. Last evaluated: 2018-11-21. Review status: criteria provided, single submitter. Criteria: ACMG Guidelines, 2015. Collection method: clinical testing. Allele origin: unknown. Affected: yes.
Comment: This variant was classified as: Uncertain significance. The available evidence on this variant's pathogenicity is insufficient or conflicting. The following ACMG criteria were applied in classifying this variant: PM2,BP4.